The following is an entry in ClinVar:

NM_000051.4(ATM):c.1177T>C (p.Trp393Arg)

Gene: ATM (ATM serine/threonine kinase; plus strand). Cytogenetic location: 11q22.3.
Variant type: single nucleotide variant.
Coding change: c.1177T>C on transcript NM_000051.4 (MANE Select); coding-DNA position 1177, T replaced by C.
Protein change: p.Trp393Arg; replaces tryptophan 393 with arginine.
Molecular consequence: missense variant.
Genome position (GRCh38, 1-based): chr11:108,249,044, T>C. VCF-style: chr11-108249044-T-C. GRCh37 (hg19) VCF-style: chr11-108119771-T-C.
Other names: c.1177T>C, p.Trp393Arg (NM_001351834.2); short protein forms W393R.
Identifiers: ClinVar variation 2763192 (VCV002763192.3), dbSNP rs2135293953, ClinGen allele CA382532538.
Genomic context (GRCh38, chr11:108,249,044, plus strand): 5'-ACACAAAGAGAATCTAGTGATTACAGTGTCCCTTGCAAAAGGAAGAAAATAGAACTAGGC[T>C]GGGAAGTAATAAAAGATCACCTTCAGAAGTCACAGAATGATTTTGATCTTGTGCCTTGGT-3'
Protein context (NP_000042.3, residues 383-403): PCKRKKIELG[Trp393Arg]EVIKDHLQKS

ClinVar aggregate classification (germline): Uncertain significance (1 of 4 stars; one submission).

Conditions:
Ataxia-telangiectasia syndrome (AT). Also called: Ataxia-telangiectasia, complementation group D; LOUIS-BAR SYNDROME; ATAXIA-TELANGIECTASIA, COMPLEMENTATION GROUP A; ATAXIA-TELANGIECTASIA, FRESNO VARIANT; Ataxia telangiectasia (A-T); Cerebello-oculocutaneous telangiectasia. Identifiers: Orphanet 100, MedGen C0004135, MONDO:0008840, OMIM 208900.

Submission:

Labcorp Genetics (formerly Invitae), Labcorp
Classification: Uncertain significance for Ataxia-telangiectasia syndrome. Last evaluated: 2023-09-25. Review status: criteria provided, single submitter. Criteria: Invitae Variant Classification Sherloc (09022015). Collection method: clinical testing. Allele origin: germline.
Comment: This sequence change replaces tryptophan, which is neutral and slightly polar, with arginine, which is basic and polar, at codon 393 of the ATM protein (p.Trp393Arg). This variant is not present in population databases (gnomAD no frequency). This variant has not been reported in the literature in individuals affected with ATM-related conditions. An algorithm developed to predict the effect of missense changes on protein structure and function (PolyPhen-2) suggests that this variant is likely to be disruptive. In summary, the available evidence is currently insufficient to determine the role of this variant in disease. Therefore, it has been classified as a Variant of Uncertain Significance.